The following is an entry in ClinVar:

NM_013275.6(ANKRD11):c.7714-15_7714-14delinsTG

Gene: ANKRD11 (ankyrin repeat domain 11; minus strand). Cytogenetic location: 16q24.3.
Variant type: Indel.
Coding change: c.7714-15_7714-14delinsTG on transcript NM_013275.6 (MANE Select); 15 bases into the intron before coding-DNA position 7714 through 14 bases into the intron before coding-DNA position 7714, GT replaced by TG.
Molecular consequence: intron variant.
Genome position (GRCh38, 1-based): chr16:89,270,923-89,270,924, AC replaced by CA on the plus strand (GT replaced by TG on the coding strand, the reverse complement: ANKRD11 is on the minus strand). VCF-style: chr16-89270923-AC-CA. GRCh37 (hg19) VCF-style: chr16-89337331-AC-CA.
Other names: c.7714-15_7714-14delinsTG (NM_001256183.2, NM_001256182.2).
Identifiers: ClinVar variation 4738452 (VCV004738452.1).

ClinVar aggregate classification (germline): Uncertain significance (1 of 4 stars; one submission).

Conditions:
KBG syndrome (KBGS). Also called: ANKRD11-Related KBG Syndrome. Identifiers: Orphanet 2332, MedGen C0220687, MONDO:0007846, OMIM 148050.

Submission:

Labcorp Genetics (formerly Invitae), Labcorp
Classification: Uncertain significance for KBG syndrome. Last evaluated: 2025-07-24. Review status: criteria provided, single submitter. Criteria: Invitae Variant Classification Sherloc (09022015). Collection method: clinical testing. Allele origin: germline.
Comment: This sequence change falls in intron 11 of the ANKRD11 gene. It does not directly change the encoded amino acid sequence of the ANKRD11 protein. Information on the frequency of this variant in the gnomAD database is not available, as this variant may be reported differently in the database. This variant has not been reported in the literature in individuals affected with ANKRD11-related conditions. Experimental studies and prediction algorithms are not available or were not evaluated, and the effect of this variant on mRNA splicing is currently unknown. In summary, the available evidence is currently insufficient to determine the role of this variant in disease. Therefore, it has been classified as a Variant of Uncertain Significance.